The following is an entry in ClinVar:

ClinVar aggregate classification (germline): Uncertain significance. Review status: criteria provided, multiple submitters, no conflicts (2 of 4 stars). 4 submissions from 4 submitters: Uncertain significance (4). Last evaluated 2026-05-26.

Conditions:
TSPEAR-related disorder. Also called: TSPEAR-related condition.

Allele frequency attached by ClinVar (database versions not stated): ExAC 0.00017; gnomAD exomes 0.00026 and 0.00046; gnomAD 0.00038 and 0.00041; ESP Exome Variant Server 0.00054; TOPMed 0.00054.
gnomAD v4.1: 688 of 1,525,892 alleles (0.045%); highest among the groups gnomAD compares: Admixed American, 0.081%; no homozygotes.

Submissions (4):

PreventionGenetics, part of Exact Sciences
Classification: Uncertain significance for TSPEAR-related condition. Last evaluated: 2026-05-26. Review status: criteria provided, single submitter. Criteria: ACMG Guidelines, 2015. Collection method: clinical testing. Allele origin: germline.
Comment: The TSPEAR c.88C>T variant is predicted to result in the amino acid substitution p.Arg30Cys. To our knowledge, this variant has not been reported in the literature. This variant is reported in 0.048% of alleles in individuals of Latino descent in gnomAD. At this time, the clinical significance of this variant is uncertain due to the absence of conclusive functional and genetic evidence.

GeneDx
Classification: Uncertain significance. Last evaluated: 2025-09-25. Review status: criteria provided, single submitter. Criteria: GeneDx Variant Classification Process June 2021. Collection method: clinical testing. Allele origin: germline. Affected: yes.
Comment: Reported without a second variant in patients in published literature who also harbored multiple variants in other hearing loss genes (PMID: 29309402, 34515852); In silico analysis suggests that this missense variant does not alter protein structure/function; This variant is associated with the following publications: (PMID: 34515852, 29309402)

Blueprint Genetics
Classification: Uncertain significance. Last evaluated: 2024-10-10. Review status: criteria provided, single submitter. Criteria: ACMG Guidelines, 2015. Collection method: clinical testing. Allele origin: germline.

Labcorp Genetics (formerly Invitae), Labcorp
Classification: Uncertain significance. Last evaluated: 2022-06-25. Review status: criteria provided, single submitter. Criteria: Invitae Variant Classification Sherloc (09022015). Collection method: clinical testing. Allele origin: germline.
Comment: This sequence change replaces arginine, which is basic and polar, with cysteine, which is neutral and slightly polar, at codon 30 of the TSPEAR protein (p.Arg30Cys). This variant is present in population databases (rs138759270, gnomAD 0.05%). This variant has not been reported in the literature in individuals affected with TSPEAR-related conditions. Algorithms developed to predict the effect of missense changes on protein structure and function are either unavailable or do not agree on the potential impact of this missense change (SIFT: "Deleterious"; PolyPhen-2: "Possibly Damaging"; Align-GVGD: "Class C0"). In summary, the available evidence is currently insufficient to determine the role of this variant in disease. Therefore, it has been classified as a Variant of Uncertain Significance.

NM_144991.3(TSPEAR):c.88C>T (p.Arg30Cys)

Gene: TSPEAR (thrombospondin type laminin G domain and EAR repeats; minus strand). Cytogenetic location: 21q22.3.
Variant type: single nucleotide variant.
Coding change: c.88C>T on transcript NM_144991.3 (MANE Select); coding-DNA position 88, C replaced by T.
Protein change: p.Arg30Cys; replaces arginine 30 with cysteine.
Molecular consequence: missense variant. On other transcripts: 5 prime UTR variant (1).
Genome position (GRCh38, 1-based): chr21:44,568,000, G>A on the plus strand (C>T on the coding strand, the complement: TSPEAR is on the minus strand). VCF-style: chr21-44568000-G-A. GRCh37 (hg19) VCF-style: chr21-45987884-G-A.
Other names: c.-117C>T (NM_001272037.2); short protein forms R30C.
Identifiers: ClinVar variation 1342067 (VCV001342067.8), dbSNP rs138759270, ClinGen allele CA10058098.